The following is an entry in ClinVar:

ClinVar aggregate classification (germline): Uncertain significance (1 of 4 stars; one submission).

Allele frequency attached by ClinVar (database versions not stated): TOPMed below 0.00001.

Submission:

Labcorp Genetics (formerly Invitae), Labcorp
Classification: Uncertain significance. Last evaluated: 2022-03-18. Review status: criteria provided, single submitter. Criteria: Invitae Variant Classification Sherloc (09022015). Collection method: clinical testing. Allele origin: germline.
Comment: This variant has not been reported in the literature in individuals affected with MOCS3-related conditions. In summary, the available evidence is currently insufficient to determine the role of this variant in disease. Therefore, it has been classified as a Variant of Uncertain Significance. Algorithms developed to predict the effect of missense changes on protein structure and function are either unavailable or do not agree on the potential impact of this missense change (SIFT: "Deleterious"; PolyPhen-2: "Probably Damaging"; Align-GVGD: "Class C0"). This variant is not present in population databases (gnomAD no frequency). This sequence change replaces serine, which is neutral and polar, with alanine, which is neutral and non-polar, at codon 418 of the MOCS3 protein (p.Ser418Ala).

NM_014484.5(MOCS3):c.1252T>G (p.Ser418Ala)

Gene: MOCS3 (molybdenum cofactor synthesis 3; plus strand). Cytogenetic location: 20q13.13.
Variant type: single nucleotide variant.
Coding change: c.1252T>G on transcript NM_014484.5 (MANE Select); coding-DNA position 1252, T replaced by G.
Protein change: p.Ser418Ala; replaces serine 418 with alanine.
Molecular consequence: missense variant.
Genome position (GRCh38, 1-based): chr20:50,960,094, T>G. VCF-style: chr20-50960094-T-G. GRCh37 (hg19) VCF-style: chr20-49576631-T-G.
Other names: short protein forms S418A.
Identifiers: ClinVar variation 2039891 (VCV002039891.4), dbSNP rs1987066147, ClinGen allele CA408986730.
Genomic context (GRCh38, chr20:50,960,094, plus strand): 5'-CAGGGCACACAAGAAGGGGCTGCTGTCCCCATTTATGTGATTTGCAAACTGGGAAATGAC[T>G]CACAGAAAGCCGTGAAGATCCTCCAGTCCTTATCAGCAGCTCAAGAGTTAGACCCTTTAA-3'
Protein context (NP_055299.1, residues 408-428): IYVICKLGND[Ser418Ala]QKAVKILQSL